The following is an entry in ClinVar:

NM_006514.4(SCN10A):c.1358A>G (p.Lys453Arg)

Gene: SCN10A (sodium voltage-gated channel alpha subunit 10; minus strand). Cytogenetic location: 3p22.2.
Variant type: single nucleotide variant.
Coding change: c.1358A>G on transcript NM_006514.4 (MANE Select); coding-DNA position 1358, A replaced by G.
Protein change: p.Lys453Arg; replaces lysine 453 with arginine.
Molecular consequence: missense variant.
Genome position (GRCh38, 1-based): chr3:38,755,891, T>C on the plus strand (A>G on the coding strand, the complement: SCN10A is on the minus strand). VCF-style: chr3-38755891-T-C. GRCh37 (hg19) VCF-style: chr3-38797382-T-C.
Other names: c.1358A>G, p.Lys453Arg (NM_001293306.2, NM_001293307.2); short protein forms K453R.
Identifiers: ClinVar variation 4690768 (VCV004690768.1).

ClinVar aggregate classification (germline): Uncertain significance (1 of 4 stars; one submission).

Conditions:
Brugada syndrome. Also called: Sudden unexpected nocturnal death syndrome; Sudden Unexplained Nocturnal Death Syndrome (SUNDS); Sudden Unexplained Death Syndrome; Sudden unexplained nocturnal death syndrome. Identifiers: Orphanet 130, MedGen C1142166, MONDO:0015263.

Submission:

Labcorp Genetics (formerly Invitae), Labcorp
Classification: Uncertain significance for Brugada syndrome. Last evaluated: 2025-06-15. Review status: criteria provided, single submitter. Criteria: Invitae Variant Classification Sherloc (09022015). Collection method: clinical testing. Allele origin: germline.
Comment: This sequence change replaces lysine, which is basic and polar, with arginine, which is basic and polar, at codon 453 of the SCN10A protein (p.Lys453Arg). This variant is not present in population databases (gnomAD no frequency). This variant has not been reported in the literature in individuals affected with SCN10A-related conditions. Invitae Evidence Modeling of protein sequence and biophysical properties (such as structural, functional, and spatial information, amino acid conservation, physicochemical variation, residue mobility, and thermodynamic stability) indicates that this missense variant is not expected to disrupt SCN10A protein function with a negative predictive value of 80%. In summary, the available evidence is currently insufficient to determine the role of this variant in disease. Therefore, it has been classified as a Variant of Uncertain Significance.